The following is an entry in ClinVar:

NM_024009.3(GJB3):c.581C>A (p.Ala194Asp)

Gene: GJB3 (gap junction protein beta 3; plus strand). Cytogenetic location: 1p34.3.
Variant type: single nucleotide variant.
Coding change: c.581C>A on transcript NM_024009.3 (MANE Select); coding-DNA position 581, C replaced by A.
Protein change: p.Ala194Asp; replaces alanine 194 with aspartic acid.
Molecular consequence: missense variant.
Genome position (GRCh38, 1-based): chr1:34,785,343, C>A. VCF-style: chr1-34785343-C-A. GRCh37 (hg19) VCF-style: chr1-35250944-C-A.
Other names: c.581C>A, p.Ala194Asp (NM_001005752.2); short protein forms A194D.
Identifiers: ClinVar variation 3342412 (VCV003342412.2).

ClinVar aggregate classification (germline): Uncertain significance. Review status: criteria provided, multiple submitters, no conflicts (2 of 4 stars). 2 submissions from 2 submitters: Uncertain significance (2). Last evaluated 2024-01-25.

gnomAD v4.1: 41 of 1,614,078 alleles (0.0025%); highest among the groups gnomAD compares: Non-Finnish European, 0.0034%; no homozygotes.

Submissions (2):

GeneDx
Classification: Uncertain significance. Last evaluated: 2024-01-25. Review status: criteria provided, single submitter. Criteria: GeneDx Variant Classification Process June 2021. Collection method: clinical testing. Allele origin: germline. Affected: yes.
Comment: Not observed at significant frequency in large population cohorts (gnomAD); In silico analysis supports that this missense variant does not alter protein structure/function; Has not been previously published as pathogenic or benign to our knowledge

Blueprint Genetics
Classification: Uncertain significance. Last evaluated: 2021-02-02. Review status: criteria provided, single submitter. Criteria: ACMG Guidelines, 2015. Collection method: clinical testing. Allele origin: germline.